The following is an entry in ClinVar:

NM_001376.5(DYNC1H1):c.7256C>T (p.Ala2419Val)

Gene: DYNC1H1 (dynein cytoplasmic 1 heavy chain 1; plus strand). Cytogenetic location: 14q32.31.
Variant type: single nucleotide variant.
Coding change: c.7256C>T on transcript NM_001376.5 (MANE Select); coding-DNA position 7256, C replaced by T.
Protein change: p.Ala2419Val; replaces alanine 2419 with valine.
Molecular consequence: missense variant.
Genome position (GRCh38, 1-based): chr14:102,015,869, C>T. VCF-style: chr14-102015869-C-T. GRCh37 (hg19) VCF-style: chr14-102482206-C-T.
Other names: short protein forms A2419V.
Identifiers: ClinVar variation 2068128 (VCV002068128.5), dbSNP rs529589123, ClinGen allele CA7352781.

ClinVar aggregate classification (germline): Conflicting classifications of pathogenicity. Review status: criteria provided, conflicting classifications (1 of 4 stars). 2 submissions from 2 submitters: Uncertain significance (1); Likely benign (1). Last evaluated 2024-11-13.

Conditions:
DYNC1H1-related disorder. Also called: DYNC1H1-related disorders; DYNC1H1-related condition. Identifiers: MedGen CN381529.
Charcot-Marie-Tooth disease axonal type 2O. Also called: CHARCOT-MARIE-TOOTH NEUROPATHY, AXONAL, TYPE 2O; CHARCOT-MARIE-TOOTH DISEASE, AXONAL, AUTOSOMAL DOMINANT, TYPE 2O; Charcot-Marie-Tooth Neuropathy Type 2O; Charcot-Marie-Tooth disease, axonal, type 20. Identifiers: Orphanet 284232, MedGen C3280220, MONDO:0013644, OMIM 614228.

Allele frequency attached by ClinVar (database versions not stated): gnomAD exomes below 0.00001; ExAC 0.00001; 1000 Genomes Project 30x 0.00016; 1000 Genomes Project 0.00020.
gnomAD v4.1: 4 of 1,614,188 alleles (0.00025%); highest among the groups gnomAD compares: East Asian, 0.0022%; no homozygotes.

Submissions (2):

Labcorp Genetics (formerly Invitae), Labcorp
Classification: Likely benign for Charcot-Marie-Tooth disease axonal type 2O. Last evaluated: 2024-11-13. Review status: criteria provided, single submitter. Criteria: Invitae Variant Classification Sherloc (09022015). Collection method: clinical testing. Allele origin: germline.

PreventionGenetics, part of Exact Sciences
Classification: Uncertain significance for DYNC1H1-related condition. Last evaluated: 2024-11-09. Review status: criteria provided, single submitter. Criteria: ACMG Guidelines, 2015. Collection method: clinical testing. Allele origin: germline.
Comment: The DYNC1H1 c.7256C>T variant is predicted to result in the amino acid substitution p.Ala2419Val. To our knowledge, this variant has not been reported in the literature. This variant is reported in 0.0033% of alleles in individuals of South Asian descent in gnomAD. At this time, the clinical significance of this variant is uncertain due to the absence of conclusive functional and genetic evidence.